The following is an entry in ClinVar:

NM_018180.3(DHX32):c.2187G>A (p.Met729Ile)

Genes: BCCIP (BRCA2 and CDKN1A interacting protein; plus strand), DHX32 (DEAH-box helicase 32 (putative); minus strand). Cytogenetic location: 10q26.2.
Variant type: single nucleotide variant.
Coding change: c.2187G>A on transcript NM_018180.3 (MANE Select); coding-DNA position 2187, G replaced by A.
Protein change: p.Met729Ile; replaces methionine 729 with isoleucine.
Molecular consequence: missense variant. On other transcripts: intron variant (2).
Genome position (GRCh38, 1-based): chr10:125,836,732, C>T on the plus strand (G>A on the coding strand, the complement: DHX32 is on the minus strand). VCF-style: chr10-125836732-C-T. GRCh37 (hg19) VCF-style: chr10-127525301-C-T.
Other names: c.774+2786C>T (NM_016567.4, NM_078469.3); short protein forms M729I.
Identifiers: ClinVar variation 1500230 (VCV001500230.7), dbSNP rs142010622, ClinGen allele CA5738941.
Genomic context (GRCh38, chr10:125,836,732, plus strand): 5'-GTGTTTGCTGGGGAGTCACTGGAGAGTGCATCTCTGTTCAGTTTCAGGGCACGTCTCACA[C>T]ATTTGCTGTTCCTTATTCATTGTTGACACAGGGGATAGGTGATCCACTACTTGCTGTAGA-3'
Protein context (NP_060650.2, residues 719-739): PVSTMNKEQQ[Met729Ile]CETCPETEQR

ClinVar aggregate classification (germline): Uncertain significance. Review status: criteria provided, multiple submitters, no conflicts (2 of 4 stars). 2 submissions from 2 submitters: Uncertain significance (2). Last evaluated 2025-03-03.

Allele frequency attached by ClinVar (database versions not stated): gnomAD exomes 0.00001 and 0.00004; TOPMed 0.00006; ExAC 0.00007; gnomAD 0.00004 and 0.00005; 1000 Genomes Project 30x 0.00016; ESP Exome Variant Server 0.00031.
gnomAD v4.1: 29 of 1,614,208 alleles (0.0018%); highest among the groups gnomAD compares: African/African-American, 0.023%; no homozygotes.

Submissions (2):

Labcorp Genetics (formerly Invitae), Labcorp
Classification: Uncertain significance. Last evaluated: 2025-03-03. Review status: criteria provided, single submitter. Criteria: Invitae Variant Classification Sherloc (09022015). Collection method: clinical testing. Allele origin: germline.
Comment: This sequence change replaces methionine, which is neutral and non-polar, with isoleucine, which is neutral and non-polar, at codon 729 of the DHX32 protein (p.Met729Ile). This variant is present in population databases (rs142010622, gnomAD 0.02%). This variant has not been reported in the literature in individuals affected with DHX32-related conditions. ClinVar contains an entry for this variant (Variation ID: 1500230). An algorithm developed to predict the effect of missense changes on protein structure and function outputs the following: PolyPhen-2: "Benign". The isoleucine amino acid residue is found in multiple mammalian species, which suggests that this missense change does not adversely affect protein function. In summary, the available evidence is currently insufficient to determine the role of this variant in disease. Therefore, it has been classified as a Variant of Uncertain Significance.

Ambry Genetics
Classification: Uncertain significance. Last evaluated: 2025-02-09. Review status: criteria provided, single submitter. Criteria: Ambry Variant Classification Scheme 2023. Collection method: clinical testing. Allele origin: germline.